The following is an entry in ClinVar:

ClinVar aggregate classification (germline): Uncertain significance (1 of 4 stars; one submission).

Conditions:
Immunodeficiency 35 (IMD35). Also called: Susceptibility to infection due to TYK2 deficiency; TYK2 DEFICIENCY; HIES WITH ATYPICAL MYCOBACTERIOSIS, AUTOSOMAL RECESSIVE; HYPER-IgE SYNDROME WITH ATYPICAL MYCOBACTERIOSIS, AUTOSOMAL RECESSIVE. Identifiers: Orphanet 331226, MedGen C1969086, MONDO:0012682, OMIM 611521.

Allele frequency attached by ClinVar (database versions not stated): gnomAD exomes below 0.00001; TOPMed 0.00002; gnomAD 0.00003.
gnomAD v4.1: 10 of 1,612,844 alleles (0.00062%); highest among the groups gnomAD compares: Middle Eastern, 0.016%; no homozygotes.

Submission:

Labcorp Genetics (formerly Invitae), Labcorp
Classification: Uncertain significance for Immunodeficiency 35. Last evaluated: 2024-07-01. Review status: criteria provided, single submitter. Criteria: Invitae Variant Classification Sherloc (09022015). Collection method: clinical testing. Allele origin: germline.
Comment: This sequence change replaces arginine, which is basic and polar, with tryptophan, which is neutral and slightly polar, at codon 265 of the TYK2 protein (p.Arg265Trp). This variant is present in population databases (rs760177831, gnomAD 0.004%). This variant has not been reported in the literature in individuals affected with TYK2-related conditions. ClinVar contains an entry for this variant (Variation ID: 664675). Advanced modeling of protein sequence and biophysical properties (such as structural, functional, and spatial information, amino acid conservation, physicochemical variation, residue mobility, and thermodynamic stability) performed at Invitae indicates that this missense variant is not expected to disrupt TYK2 protein function with a negative predictive value of 80%. In summary, the available evidence is currently insufficient to determine the role of this variant in disease. Therefore, it has been classified as a Variant of Uncertain Significance.

NM_003331.5(TYK2):c.793C>T (p.Arg265Trp)

Gene: TYK2 (tyrosine kinase 2; minus strand). Cytogenetic location: 19p13.2.
Variant type: single nucleotide variant.
Coding change: c.793C>T on transcript NM_003331.5 (MANE Select); coding-DNA position 793, C replaced by T.
Protein change: p.Arg265Trp; replaces arginine 265 with tryptophan.
Molecular consequence: missense variant.
Genome position (GRCh38, 1-based): chr19:10,365,735, G>A on the plus strand (C>T on the coding strand, the complement: TYK2 is on the minus strand). VCF-style: chr19-10365735-G-A. GRCh37 (hg19) VCF-style: chr19-10476411-G-A.
Other names: c.793C>T (LRG_121t1); short protein forms R265W.
Identifiers: ClinVar variation 664675 (VCV000664675.9), dbSNP rs760177831, ClinGen allele CA9193614.
Genomic context (GRCh38, chr19:10,365,735, plus strand): 5'-GGGCCAGCAGCCTCAGGTGGCACACGGGCACACGCTCTGTGCCGAAGCGGGGTGCCAGCC[G>A]CTCGAGTGTGGCTAGGTATTTGACCATGACCATCTGCTGGGAGAGTCGGCCCGGCTGGAA-3'
Protein context (NP_003322.3, residues 255-275): VMVKYLATLE[Arg265Trp]LAPRFGTERV